The following is an entry in ClinVar:

ClinVar aggregate classification (germline): Uncertain significance (1 of 4 stars; one submission).

Allele frequency attached by ClinVar (database versions not stated): TOPMed below 0.00001; gnomAD 0.00001; gnomAD exomes below 0.00001.
gnomAD v4.1: 3 of 1,611,242 alleles (0.00019%); highest among the groups gnomAD compares: South Asian, 0.0011%; no homozygotes.

Submission:

Labcorp Genetics (formerly Invitae), Labcorp
Classification: Uncertain significance. Last evaluated: 2022-07-30. Review status: criteria provided, single submitter. Criteria: Invitae Variant Classification Sherloc (09022015). Collection method: clinical testing. Allele origin: germline.
Comment: This sequence change replaces phenylalanine, which is neutral and non-polar, with serine, which is neutral and polar, at codon 493 of the SI protein (p.Phe493Ser). This variant is not present in population databases (gnomAD no frequency). This variant has not been reported in the literature in individuals affected with SI-related conditions. Advanced modeling of protein sequence and biophysical properties (such as structural, functional, and spatial information, amino acid conservation, physicochemical variation, residue mobility, and thermodynamic stability) performed at Invitae indicates that this missense variant is expected to disrupt SI protein function. In summary, the available evidence is currently insufficient to determine the role of this variant in disease. Therefore, it has been classified as a Variant of Uncertain Significance.

NM_001041.4(SI):c.1478T>C (p.Phe493Ser)

Gene: SI (sucrase-isomaltase; minus strand). Cytogenetic location: 3q26.1.
Variant type: single nucleotide variant.
Coding change: c.1478T>C on transcript NM_001041.4 (MANE Select); coding-DNA position 1478, T replaced by C.
Protein change: p.Phe493Ser; replaces phenylalanine 493 with serine.
Molecular consequence: missense variant.
Genome position (GRCh38, 1-based): chr3:165,055,228, A>G on the plus strand (T>C on the coding strand, the complement: SI is on the minus strand). VCF-style: chr3-165055228-A-G. GRCh37 (hg19) VCF-style: chr3-164773016-A-G.
Other names: short protein forms F493S.
Identifiers: ClinVar variation 1714381 (VCV001714381.5), dbSNP rs1713637875, ClinGen allele CA355027796.
Genomic context (GRCh38, chr3:165,055,228, plus strand): 5'-ACCATTGGTTTAAAATAGCTACTTACAATCCAAAGTCCATCATATTGCACTTCTTGATGG[A>G]AAATACTGCATTCATTTGCCCACCAATCAATGCAGTTTGGGTTAGTGAAATCAGGGTATA-3'
Protein context (NP_001032.2, residues 483-503): IDWWANECSI[Phe493Ser]HQEVQYDGLW